The following is an entry in ClinVar:

NM_005732.4(RAD50):c.2500G>C (p.Glu834Gln)

Gene: RAD50 (RAD50 double strand break repair protein; plus strand). Cytogenetic location: 5q31.1.
Variant type: single nucleotide variant.
Coding change: c.2500G>C on transcript NM_005732.4 (MANE Select); coding-DNA position 2500, G replaced by C.
Protein change: p.Glu834Gln; replaces glutamic acid 834 with glutamine.
Molecular consequence: missense variant.
Genome position (GRCh38, 1-based): chr5:132,604,022, G>C. VCF-style: chr5-132604022-G-C. GRCh37 (hg19) VCF-style: chr5-131939714-G-C.
Other names: short protein forms E834Q.
Identifiers: ClinVar variation 186866 (VCV000186866.15), dbSNP rs786203285, ClinGen allele CA196084.
Genomic context (GRCh38, chr5:132,604,022, plus strand): 5'-GCTAAGCTACAAGGAATAGACTTAGATCGAACTGTCCAACAAGTCAACCAGGAGAAACAA[G>C]AGAAACAGCACAAGTTAGACACAGGTAATACAGTCTGTGTCCTTCTGTACTCATAGAGAC-3'
Protein context (NP_005723.2, residues 824-844): TVQQVNQEKQ[Glu834Gln]KQHKLDTVSS

ClinVar aggregate classification (germline): Uncertain significance. Review status: criteria provided, multiple submitters, no conflicts (2 of 4 stars). 2 submissions from 2 submitters: Uncertain significance (2). Last evaluated 2019-05-10.

Conditions:
Hereditary cancer-predisposing syndrome. Also called: Neoplastic Syndromes, Hereditary; Tumor predisposition; Hereditary Cancer Syndrome; Hereditary neoplastic syndrome. Identifiers: Orphanet 140162, MedGen C0027672, MeSH D009386, MONDO:0015356.

Submissions (2):

Labcorp Genetics (formerly Invitae), Labcorp
Classification: Uncertain significance for Hereditary cancer-predisposing syndrome. Last evaluated: 2019-05-10. Review status: criteria provided, single submitter. Criteria: Invitae Variant Classification Sherloc (09022015). Collection method: clinical testing. Allele origin: germline.
Comment: In summary, the available evidence is currently insufficient to determine the role of this variant in disease. Therefore, it has been classified as a Variant of Uncertain Significance. Algorithms developed to predict the effect of missense changes on protein structure and function (SIFT, PolyPhen-2, Align-GVGD) all suggest that this variant is likely to be tolerated, but these predictions have not been confirmed by published functional studies and their clinical significance is uncertain. This variant has not been reported in the literature in individuals with RAD50-related conditions. ClinVar contains an entry for this variant (Variation ID: 186866). This variant is not present in population databases (ExAC no frequency). This sequence change replaces glutamic acid with glutamine at codon 834 of the RAD50 protein (p.Glu834Gln). The glutamic acid residue is moderately conserved and there is a small physicochemical difference between glutamic acid and glutamine.

Ambry Genetics
Classification: Uncertain significance for Hereditary cancer-predisposing syndrome. Last evaluated: 2014-10-22. Review status: criteria provided, single submitter. Criteria: Ambry Variant Classification Scheme 2023. Collection method: clinical testing. Allele origin: germline.
Comment: The p.E834Q variant (also known as c.2500G>C), located in coding exon 15 of the RAD50 gene, results from a G to C substitution at nucleotide position 2500. The glutamic acid at codon 834 is replaced by glutamine, an amino acid with highly similar properties. This variant was not reported in population based cohorts in the following databases: Database of Single Nucleotide Polymorphisms (dbSNP), NHLBI Exome Sequencing Project (ESP), and 1000 Genomes Project. In the ESP, this variant was not observed in 6503 samples (13006 alleles) with coverage at this position. To date, this alteration has been detected with an allele frequency of approximately 0.005% (greater than 22000 alleles tested) in our clinical cohort, including this individual. This amino acid position is highly conserved in available vertebrate species. In addition, the in silico prediction for this alteration is inconclusive. Since supporting evidence is limited at this time, the clinical significance of p.E834Q remains unclear.